The following is an entry in ClinVar:

NM_006218.4(PIK3CA):c.1006A>G (p.Ile336Val)

Gene: PIK3CA (phosphatidylinositol-4,5-bisphosphate 3-kinase catalytic subunit alpha; plus strand). Cytogenetic location: 3q26.32.
Variant type: single nucleotide variant.
Coding change: c.1006A>G on transcript NM_006218.4 (MANE Select); coding-DNA position 1006, A replaced by G.
Protein change: p.Ile336Val; replaces isoleucine 336 with valine.
Molecular consequence: missense variant.
Genome position (GRCh38, 1-based): chr3:179,203,736, A>G. VCF-style: chr3-179203736-A-G. GRCh37 (hg19) VCF-style: chr3-178921524-A-G.
Other names: short protein forms I336V.
Identifiers: ClinVar variation 3418551 (VCV003418551.1).

ClinVar aggregate classification (germline): Uncertain significance (1 of 4 stars; one submission).

Conditions:
Inborn genetic diseases. Identifiers: MedGen C0950123, MeSH D030342.

gnomAD v4.1: 3 of 1,612,814 alleles (0.00019%); highest among the groups gnomAD compares: Non-Finnish European, 0.00025%; no homozygotes.

Submission:

Ambry Genetics
Classification: Uncertain significance for Inborn genetic diseases. Last evaluated: 2024-11-17. Review status: criteria provided, single submitter. Criteria: Ambry Variant Classification Scheme 2023. Collection method: clinical testing. Allele origin: germline.
Comment: The p.I336V variant (also known as c.1006A>G), located in coding exon 4 of the PIK3CA gene, results from an A to G substitution at nucleotide position 1006. The isoleucine at codon 336 is replaced by valine, an amino acid with highly similar properties. This amino acid position is conserved. In addition, this alteration is predicted to be tolerated by in silico analysis. Based on the available evidence, the clinical significance of this variant remains unclear.